The following is an entry in ClinVar:

ClinVar aggregate classification (germline): Uncertain significance. Review status: criteria provided, multiple submitters, no conflicts (2 of 4 stars). 3 submissions from 3 submitters: Uncertain significance (3). Last evaluated 2025-04-25.

Conditions:
Inborn genetic diseases. Identifiers: MedGen C0950123, MeSH D030342.
PLD1-related disorder. Also called: PLD1-related condition.

Allele frequency attached by ClinVar (database versions not stated): ExAC 0.00007; ESP Exome Variant Server 0.00008; TOPMed 0.00002.
gnomAD v4.1: 35 of 1,613,990 alleles (0.0022%); highest among the groups gnomAD compares: East Asian, 0.02%; no homozygotes.

Submissions (3):

Ambry Genetics
Classification: Uncertain significance for Inborn genetic diseases. Last evaluated: 2025-04-25. Review status: criteria provided, single submitter. Criteria: Ambry Variant Classification Scheme 2023. Collection method: clinical testing. Allele origin: germline.

GeneDx
Classification: Uncertain significance. Last evaluated: 2024-06-25. Review status: criteria provided, single submitter. Criteria: GeneDx Variant Classification Process June 2021. Collection method: clinical testing. Allele origin: germline. Affected: yes.
Comment: In silico analysis supports that this missense variant has a deleterious effect on protein structure/function; Has not been previously published as pathogenic or benign to our knowledge

PreventionGenetics, part of Exact Sciences
Classification: Uncertain significance for PLD1-related condition. Last evaluated: 2023-03-07. Review status: criteria provided, single submitter. Criteria: ACMG Guidelines, 2015. Collection method: clinical testing. Allele origin: germline.
Comment: The PLD1 c.2750G>A variant is predicted to result in the amino acid substitution p.Arg917His. To our knowledge, this variant has not been reported in the literature. This variant is reported in 0.016% of alleles in individuals of East Asian descent in gnomAD. At this time, the clinical significance of this variant is uncertain due to the absence of conclusive functional and genetic evidence.

NM_002662.5(PLD1):c.2750G>A (p.Arg917His)

Gene: PLD1 (phospholipase D1; minus strand). Cytogenetic location: 3q26.31.
Variant type: single nucleotide variant.
Coding change: c.2750G>A on transcript NM_002662.5 (MANE Select); coding-DNA position 2750, G replaced by A.
Protein change: p.Arg917His; replaces arginine 917 with histidine.
Molecular consequence: missense variant.
Genome position (GRCh38, 1-based): chr3:171,612,411, C>T on the plus strand (G>A on the coding strand, the complement: PLD1 is on the minus strand). VCF-style: chr3-171612411-C-T. GRCh37 (hg19) VCF-style: chr3-171330201-C-T.
Other names: c.2636G>A, p.Arg879His (NM_001130081.3); short protein forms R879H, R917H.
Identifiers: ClinVar variation 2628816 (VCV002628816.3), dbSNP rs375638170, ClinGen allele CA2704125.